The following is an entry in ClinVar:

ClinVar aggregate classification (germline): Uncertain significance (1 of 4 stars; one submission).

Submission:

Labcorp Genetics (formerly Invitae), Labcorp
Classification: Uncertain significance. Last evaluated: 2025-11-23. Review status: criteria provided, single submitter. Criteria: Invitae Variant Classification Sherloc (09022015). Collection method: clinical testing. Allele origin: germline.
Comment: This variant, c.529_531del, results in the deletion of 1 amino acid(s) of the TCIRG1 protein (p.His177del), but otherwise preserves the integrity of the reading frame. This variant is not present in population databases (gnomAD no frequency). This variant has not been reported in the literature in individuals affected with TCIRG1-related conditions. Experimental studies and prediction algorithms are not available or were not evaluated, and the functional significance of this variant is currently unknown. In summary, the available evidence is currently insufficient to determine the role of this variant in disease. Therefore, it has been classified as a Variant of Uncertain Significance.

NM_006019.4(TCIRG1):c.529_531del (p.His177del)

Gene: TCIRG1 (T cell immune regulator 1, ATPase H+ transporting V0 subunit a3; plus strand). Cytogenetic location: 11q13.2.
Variant type: Deletion.
Coding change: c.529_531del on transcript NM_006019.4 (MANE Select); coding-DNA positions 529 to 531, 3 bases deleted (CAC; older notation c.529_531delCAC).
Protein change: p.His177del; deletes histidine 177.
Molecular consequence: inframe deletion. On other transcripts: 5 prime UTR variant (2), intron variant (7).
Genome position (GRCh38, 1-based): chr11:68,043,396-68,043,398, CAC deleted; deleting any 3 consecutive bases within chr11:68,043,395-68,043,398 gives the same sequence; the c. name uses the placement nearest the transcript's 3' end. VCF-style (leftmost placement, unchanged base first): chr11-68043394-CCCA-C. GRCh37 (hg19) VCF-style: chr11-67810861-CCCA-C.
Other names: c.-382_-380del (NM_001351059.2); c.529_531del, p.His177del (NM_001440552.1, NM_001440553.1, NM_001440554.1 and 4 more transcripts); c.487_489del, p.His163del (NM_001440555.1, NM_001440556.1, NM_001440563.1); c.229_231del, p.His77del (NM_001440565.1); c.-120_-118del (NM_006053.4); c.503+365_503+367del (NM_001440569.1); c.418-175_418-173del (NM_001440561.1, NM_001440566.1, NM_001440562.1 and 1 more transcripts); c.376-175_376-173del (NM_001440564.1, NM_001440568.1); short protein forms H77del, H177del, H163del.
Identifiers: ClinVar variation 4729661 (VCV004729661.1).